The following is an entry in ClinVar:

NM_001165963.4(SCN1A):c.1337del (p.Gln446fs)

Gene: SCN1A (sodium voltage-gated channel alpha subunit 1; minus strand). Cytogenetic location: 2q24.3.
Variant type: Deletion.
Coding change: c.1337del on transcript NM_001165963.4 (MANE Select); coding-DNA position 1337, one base deleted (A; older notation c.1337delA).
Protein change: p.Gln446fs; shifts the reading frame from glutamine 446.
Molecular consequence: frameshift variant. On other transcripts: 5 prime UTR variant (1), non-coding transcript variant (1).
Genome position (GRCh38, 1-based): chr2:166,046,810, T deleted on the plus strand (A on the coding strand, the reverse complement: SCN1A is on the minus strand). VCF-style (leftmost placement, unchanged base first): chr2-166046809-CT-C. GRCh37 (hg19) VCF-style: chr2-166903319-CT-C.
Other names: c.1337del, p.Gln446fs (NM_001165964.3, NM_001202435.3, NM_001353948.2 and 10 more transcripts); c.-1089del (NM_001353961.2); short protein forms Q446fs.
Identifiers: ClinVar variation 2431786 (VCV002431786.1), dbSNP rs2468180474, ClinGen allele CA2580064371.
Genomic context (GRCh38, chr2:166,046,809, plus strand): 5'-CATGAGACAGGGCAGCTTTACCTGAGCTGCCTCCTGTTGCTTTTTAAGCTGTTCAATCAT[CT>C]GCTGAAATTCGGCCTCTTTCTGTTCTGCTTCTTCCAAGGTGGCCTGATTCTGTTCCTCGT-3'

ClinVar aggregate classification (germline): Likely pathogenic (1 of 4 stars; one submission).

Conditions:
Severe myoclonic epilepsy in infancy (DRVT). Also called: Epileptic encephalopathy, early infantile, 6 (Dravet syndrome); SEVERE MYOCLONIC EPILEPSY OF INFANCY; DEVELOPMENTAL AND EPILEPTIC ENCEPHALOPATHY 6A; Severe Myoclonic Epilepsy in Infancy (SMEI); Dravet syndrome. Identifiers: Orphanet 33069, MedGen C0751122, MONDO:0100135, OMIM 607208.

Submission:

Laboratorio de Genetica e Diagnostico Molecular, Hospital Israelita Albert Einstein
Classification: Likely pathogenic for Severe myoclonic epilepsy in infancy. Last evaluated: 2022-03-03. Review status: criteria provided, single submitter. Criteria: ACMG Guidelines, 2015. Collection method: clinical testing. Allele origin: germline. Affected: yes. Observed: 1 variant allele.
Comment: ACMG classification criteria: PVS1 very strong, PM2